The following is an entry in ClinVar:

NM_000553.6(WRN):c.3085del (p.Leu1028_Val1029insTer)

Gene: WRN (WRN RecQ like helicase; plus strand). Cytogenetic location: 8p12.
Variant type: Deletion.
Coding change: c.3085del on transcript NM_000553.6 (MANE Select); coding-DNA position 3085, one base deleted (G; older notation c.3085delG).
Protein change: p.Leu1028_Val1029insTer.
Molecular consequence: nonsense.
Genome position (GRCh38, 1-based): chr8:31,141,547, G deleted; the last of 2 consecutive G bases (chr8:31,141,546-31,141,547); deleting either gives the same sequence. VCF-style (leftmost placement, unchanged base first): chr8-31141545-TG-T. GRCh37 (hg19) VCF-style: chr8-30999061-TG-T.
Identifiers: ClinVar variation 2800980 (VCV002800980.3), dbSNP rs1802630943, ClinGen allele CA1112398702.

ClinVar aggregate classification (germline): Pathogenic (1 of 4 stars; one submission).

Conditions:
Werner syndrome (WRN). Identifiers: Orphanet 902, MedGen C0043119, MONDO:0010196, OMIM 277700.

Submission:

Labcorp Genetics (formerly Invitae), Labcorp
Classification: Pathogenic for Werner syndrome. Last evaluated: 2023-07-16. Review status: criteria provided, single submitter. Criteria: Invitae Variant Classification Sherloc (09022015). Collection method: clinical testing. Allele origin: germline.
Comment: For these reasons, this variant has been classified as Pathogenic. This variant has not been reported in the literature in individuals affected with WRN-related conditions. This variant is not present in population databases (gnomAD no frequency). This sequence change creates a premature translational stop signal (p.Val1029*) in the WRN gene. It is expected to result in an absent or disrupted protein product. Loss-of-function variants in WRN are known to be pathogenic (PMID: 16673358).

Literature cited by the submitters: PubMed 16673358.